The following is an entry in ClinVar:

ClinVar aggregate classification (germline): Uncertain significance. Review status: criteria provided, multiple submitters, no conflicts (2 of 4 stars). 2 submissions from 2 submitters: Uncertain significance (2). Last evaluated 2025-10-07.

Conditions:
Inborn genetic diseases. Identifiers: MedGen C0950123, MeSH D030342.

gnomAD v4.1: 5 of 1,614,270 alleles (0.00031%); highest among the groups gnomAD compares: Middle Eastern, 0.016%; no homozygotes.

Submissions (2):

Ambry Genetics
Classification: Uncertain significance for Inborn genetic diseases. Last evaluated: 2025-10-07. Review status: criteria provided, single submitter. Criteria: Ambry Variant Classification Scheme 2023. Collection method: clinical testing. Allele origin: germline.
Comment: The c.2650C>G (p.P884A) alteration is located in exon 18 (coding exon 18) of the HK1 gene. This alteration results from a C to G substitution at nucleotide position 2650, causing the proline (P) at amino acid position 884 to be replaced by an alanine (A). Based on data from gnomAD, the G allele has an overall frequency of <0.001% (1/251480) total alleles studied. The highest observed frequency was 0.003% (1/30616) of South Asian alleles. Based on insufficient or conflicting evidence, the clinical significance of this alteration remains unclear.

Labcorp Genetics (formerly Invitae), Labcorp
Classification: Uncertain significance. Last evaluated: 2025-05-02. Review status: criteria provided, single submitter. Criteria: Invitae Variant Classification Sherloc (09022015). Collection method: clinical testing. Allele origin: germline.
Comment: This sequence change replaces proline, which is neutral and non-polar, with alanine, which is neutral and non-polar, at codon 884 of the HK1 protein (p.Pro884Ala). This variant is present in population databases (no rsID available, gnomAD 0.003%). This variant has not been reported in the literature in individuals affected with HK1-related conditions. Invitae Evidence Modeling of protein sequence and biophysical properties (such as structural, functional, and spatial information, amino acid conservation, physicochemical variation, residue mobility, and thermodynamic stability) has been performed for this missense variant. However, the output from this modeling did not meet the statistical confidence thresholds required to predict the impact of this variant on HK1 protein function. In summary, the available evidence is currently insufficient to determine the role of this variant in disease. Therefore, it has been classified as a Variant of Uncertain Significance.

NM_000188.3(HK1):c.2650C>G (p.Pro884Ala)

Gene: HK1 (hexokinase 1; plus strand). Cytogenetic location: 10q22.1.
Variant type: single nucleotide variant.
Coding change: c.2650C>G on transcript NM_000188.3 (MANE Select); coding-DNA position 2650, C replaced by G.
Protein change: p.Pro884Ala; replaces proline 884 with alanine.
Molecular consequence: missense variant. On other transcripts: non-coding transcript variant (2).
Genome position (GRCh38, 1-based): chr10:69,401,031, C>G. VCF-style: chr10-69401031-C-G. GRCh37 (hg19) VCF-style: chr10-71160787-C-G.
Other names: c.2662C>G, p.Pro888Ala (NM_001322364.2, NM_001358263.1, NM_033497.3 and 1 more transcripts); c.2755C>G, p.Pro919Ala (NM_001322365.2); c.2566C>G, p.Pro856Ala (NM_001322366.1, NM_001441143.1); c.2554C>G, p.Pro852Ala (NM_001322367.1); c.2647C>G, p.Pro883Ala (NM_001441139.1, NM_033496.3); c.2641C>G, p.Pro881Ala (NM_001441140.1, NM_001441141.1); c.2608C>G, p.Pro870Ala (NM_001441142.1); c.2530C>G, p.Pro844Ala (NM_001441144.1, NM_001441145.1); and 9 more; short protein forms P548A, P806A, P852A, P754A, P832A, P856A, P870A, P872A.
Identifiers: ClinVar variation 4621557 (VCV004621557.2).